The following is an entry in ClinVar:

ClinVar aggregate classification (germline): Uncertain significance. Review status: criteria provided, multiple submitters, no conflicts (2 of 4 stars). 2 submissions from 2 submitters: Uncertain significance (2). Last evaluated 2025-06-04.

Conditions:
RYR3-related disorder. Also called: RYR3-related condition.

Submissions (2):

Ambry Genetics
Classification: Uncertain significance. Last evaluated: 2025-06-04. Review status: criteria provided, single submitter. Criteria: Ambry Variant Classification Scheme 2023. Collection method: clinical testing. Allele origin: germline.

PreventionGenetics, part of Exact Sciences
Classification: Uncertain significance for RYR3-related condition. Last evaluated: 2025-01-13. Review status: criteria provided, single submitter. Criteria: ACMG Guidelines, 2015. Collection method: clinical testing. Allele origin: germline.
Comment: The RYR3 c.779C>T variant is predicted to result in the amino acid substitution p.Ala260Val. To our knowledge, this variant has not been reported in the literature or in a large population database (gnomAD), indicating this variant is rare. At this time, the clinical significance of this variant is uncertain due to the absence of conclusive functional and genetic evidence.

NM_001036.6(RYR3):c.779C>T (p.Ala260Val)

Gene: RYR3 (ryanodine receptor 3; plus strand). Cytogenetic location: 15q14.
Variant type: single nucleotide variant.
Coding change: c.779C>T on transcript NM_001036.6 (MANE Select); coding-DNA position 779, C replaced by T.
Protein change: p.Ala260Val; replaces alanine 260 with valine.
Molecular consequence: missense variant.
Genome position (GRCh38, 1-based): chr15:33,548,168, C>T. VCF-style: chr15-33548168-C-T. GRCh37 (hg19) VCF-style: chr15-33840369-C-T.
Other names: c.779C>T, p.Ala260Val (NM_001243996.4); c.779C>T (NM_001036.4); short protein forms A260V.
Identifiers: ClinVar variation 3949131 (VCV003949131.2).